The following is an entry in ClinVar:

NM_001370259.2(MEN1):c.458A>C (p.Asp153Ala)

Gene: MEN1 (menin 1; minus strand). Cytogenetic location: 11q13.1.
Variant type: single nucleotide variant.
Coding change: c.458A>C on transcript NM_001370259.2 (MANE Select); coding-DNA position 458, A replaced by C.
Protein change: p.Asp153Ala; replaces aspartic acid 153 with alanine.
Molecular consequence: missense variant.
Genome position (GRCh38, 1-based): chr11:64,808,087, T>G on the plus strand (A>C on the coding strand, the complement: MEN1 is on the minus strand). VCF-style: chr11-64808087-T-G. GRCh37 (hg19) VCF-style: chr11-64575559-T-G.
Other names: c.473A>C, p.Asp158Ala (NM_000244.4, NM_130800.3, NM_130801.3 and 3 more transcripts); c.458A>C, p.Asp153Ala (NM_001370251.2, NM_001370260.2, NM_001370261.2 and 3 more transcripts); short protein forms D153A, D158A.
Identifiers: ClinVar variation 1474569 (VCV001474569.6), dbSNP rs1565648789, ClinGen allele CA381186285.

ClinVar aggregate classification (germline): Likely pathogenic (1 of 4 stars; one submission).

Conditions:
Multiple endocrine neoplasia, type 1 (MEN1). Also called: MEN I; WERMER SYNDROME; Endocrine adenomatosis multiple; MEN 1; MEA I. Identifiers: Orphanet 652, MedGen C0025267, MeSH D018761, MONDO:0007540, OMIM 131100.

Submission:

Labcorp Genetics (formerly Invitae), Labcorp
Classification: Likely pathogenic for Multiple endocrine neoplasia, type 1. Last evaluated: 2023-07-12. Review status: criteria provided, single submitter. Criteria: Invitae Variant Classification Sherloc (09022015). Collection method: clinical testing. Allele origin: germline.
Comment: This sequence change replaces aspartic acid, which is acidic and polar, with alanine, which is neutral and non-polar, at codon 153 of the MEN1 protein (p.Asp153Ala). This variant is not present in population databases (gnomAD no frequency). This variant has not been reported in the literature in individuals affected with MEN1-related conditions. ClinVar contains an entry for this variant (Variation ID: 1474569). Advanced modeling of protein sequence and biophysical properties (such as structural, functional, and spatial information, amino acid conservation, physicochemical variation, residue mobility, and thermodynamic stability) performed at Invitae indicates that this missense variant is expected to disrupt MEN1 protein function. This variant disrupts the p.Asp153 amino acid residue in MEN1. Other variant(s) that disrupt this residue have been determined to be pathogenic (PMID: 12699448, 15670192, 19068082, 21819486). This suggests that this residue is clinically significant, and that variants that disrupt this residue are likely to be disease-causing. In summary, the currently available evidence indicates that the variant is pathogenic, but additional data are needed to prove that conclusively. Therefore, this variant has been classified as Likely Pathogenic.

Literature cited by the submitters: PubMed 12699448; PubMed 15670192; PubMed 19068082; PubMed 21819486.